The following is an entry in ClinVar:

NM_001384474.1(LOXHD1):c.4627del (p.Glu1543fs)

Gene: LOXHD1 (lipoxygenase homology PLAT domains 1; minus strand). Cytogenetic location: 18q21.1.
Variant type: Deletion.
Coding change: c.4627del on transcript NM_001384474.1 (MANE Select); coding-DNA position 4627, one base deleted (G; older notation c.4627delG).
Protein change: p.Glu1543fs; shifts the reading frame from glutamic acid 1543.
Molecular consequence: frameshift variant.
Genome position (GRCh38, 1-based): chr18:46,524,821, C deleted on the plus strand (G on the coding strand, the reverse complement: LOXHD1 is on the minus strand); the first of 2 consecutive C bases (chr18:46,524,821-46,524,822); deleting either gives the same sequence. VCF-style (leftmost placement, unchanged base first): chr18-46524820-TC-T. GRCh37 (hg19) VCF-style: chr18-44104783-TC-T.
Other names: c.1294del, p.Glu432fs (NM_001145472.3); c.1006del, p.Glu336fs (NM_001308013.2); c.4627del, p.Glu1543fs (NM_144612.7); short protein forms E1543fs, E336fs, E432fs.
Identifiers: ClinVar variation 1069065 (VCV001069065.7), dbSNP rs2144169642, ClinGen allele CA2499225160.

ClinVar aggregate classification (germline): Pathogenic (1 of 4 stars; one submission).

Submission:

Labcorp Genetics (formerly Invitae), Labcorp
Classification: Pathogenic. Last evaluated: 2020-02-21. Review status: criteria provided, single submitter. Criteria: Invitae Variant Classification Sherloc (09022015). Collection method: clinical testing. Allele origin: germline.
Comment: This sequence change creates a premature translational stop signal (p.Glu1543Argfs*24) in the LOXHD1 gene. It is expected to result in an absent or disrupted protein product. For these reasons, this variant has been classified as Pathogenic. Loss-of-function variants in LOXHD1 are known to be pathogenic (PMID: 19732867, 21465660, 25792669). This variant has not been reported in the literature in individuals with LOXHD1-related conditions. This variant is not present in population databases (ExAC no frequency).

Literature cited by the submitters: PubMed 19732867; PubMed 21465660; PubMed 25792669.